The following is an entry in ClinVar:

NM_021913.5(AXL):c.941G>A (p.Ser314Asn)

Gene: AXL (AXL receptor tyrosine kinase; plus strand). Cytogenetic location: 19q13.2.
Variant type: single nucleotide variant.
Coding change: c.941G>A on transcript NM_021913.5 (MANE Select); coding-DNA position 941, G replaced by A.
Protein change: p.Ser314Asn; replaces serine 314 with asparagine.
Molecular consequence: missense variant.
Genome position (GRCh38, 1-based): chr19:41,238,101, G>A. VCF-style: chr19-41238101-G-A. GRCh37 (hg19) VCF-style: chr19-41744006-G-A.
Other names: c.137G>A, p.Ser46Asn (NM_001278599.2); c.941G>A, p.Ser314Asn (NM_001699.6); short protein forms S46N, S314N.
Identifiers: ClinVar variation 2027975 (VCV002027975.4), dbSNP rs1599733358, ClinGen allele CA405991417.
Genomic context (GRCh38, chr19:41,238,101, plus strand): 5'-TTCGGCTAGGCAGCCTCCATCCTCACACCCCTTATCACATCCGCGTGGCATGCACCAGCA[G>A]CCAGGGCCCCTCATCCTGGACCCACTGGCTTCCTGTGGAGACGCCGGAGGGAGGTAAGAA-3'
Protein context (NP_068713.2, residues 304-324): PYHIRVACTS[Ser314Asn]QGPSSWTHWL

ClinVar aggregate classification (germline): Uncertain significance (1 of 4 stars; one submission).

Allele frequency attached by ClinVar (database versions not stated): gnomAD exomes below 0.00001.
gnomAD v4.1: 1 of 1,614,032 alleles (0.000062%); highest among the groups gnomAD compares: Non-Finnish European, 0.000085%; no homozygotes.

Submission:

Labcorp Genetics (formerly Invitae), Labcorp
Classification: Uncertain significance. Last evaluated: 2022-08-30. Review status: criteria provided, single submitter. Criteria: Invitae Variant Classification Sherloc (09022015). Collection method: clinical testing. Allele origin: germline.
Comment: In summary, the available evidence is currently insufficient to determine the role of this variant in disease. Therefore, it has been classified as a Variant of Uncertain Significance. Algorithms developed to predict the effect of missense changes on protein structure and function are either unavailable or do not agree on the potential impact of this missense change (SIFT: "Deleterious"; PolyPhen-2: "Possibly Damaging"; Align-GVGD: "Class C0"). This variant has not been reported in the literature in individuals affected with AXL-related conditions. This variant is not present in population databases (gnomAD no frequency). This sequence change replaces serine, which is neutral and polar, with asparagine, which is neutral and polar, at codon 314 of the AXL protein (p.Ser314Asn).